The following is an entry in ClinVar:

NM_014727.3(KMT2B):c.1363G>A (p.Glu455Lys)

Gene: KMT2B (lysine methyltransferase 2B; plus strand). Cytogenetic location: 19q13.12.
Variant type: single nucleotide variant.
Coding change: c.1363G>A on transcript NM_014727.3 (MANE Select); coding-DNA position 1363, G replaced by A.
Protein change: p.Glu455Lys; replaces glutamic acid 455 with lysine.
Molecular consequence: missense variant.
Genome position (GRCh38, 1-based): chr19:35,720,710, G>A. VCF-style: chr19-35720710-G-A. GRCh37 (hg19) VCF-style: chr19-36211612-G-A.
Other names: short protein forms E455K.
Identifiers: ClinVar variation 5001701 (VCV005001701.1).

ClinVar aggregate classification (germline): Uncertain significance (1 of 4 stars; one submission).

Conditions:
KMT2B-related disorder. Also called: KMT2B-related disorders; KMT2B-related condition. Identifiers: MedGen CN381338.

Submission:

PreventionGenetics, part of Exact Sciences
Classification: Uncertain significance for KMT2B-related condition. Last evaluated: 2024-10-24. Review status: criteria provided, single submitter. Criteria: ACMG Guidelines, 2015. Collection method: clinical testing. Allele origin: germline.
Comment: The KMT2B c.1363G>A variant is predicted to result in the amino acid substitution p.Glu455Lys. To our knowledge, this variant has not been reported in the literature or in a large population database (gnomAD), indicating this variant is rare. At this time, the clinical significance of this variant is uncertain due to the absence of conclusive functional and genetic evidence.